The following is an entry in ClinVar:

ClinVar aggregate classification (germline): Likely benign (1 of 4 stars; one submission).

Conditions:
Giant axonal neuropathy 1 (GAN1). Also called: GAN-Related Neurodegeneration; GIANT AXONAL NEUROPATHY 1, AUTOSOMAL RECESSIVE. Identifiers: Orphanet 643, MedGen C1850386, MONDO:0009749, OMIM 256850.

Allele frequency attached by ClinVar (database versions not stated): TOPMed 0.00001; 1000 Genomes Project 0.00180; 1000 Genomes Project 30x 0.00187.

Submission:

Illumina Laboratory Services, Illumina
Classification: Likely benign for Giant axonal neuropathy 1. Last evaluated: 2018-01-13. Review status: criteria provided, single submitter. Criteria: ICSL Variant Classification Criteria 13 December 2019. Collection method: clinical testing. Allele origin: germline.
Comment: This variant was observed in the ICSL laboratory as part of a predisposition screen in an ostensibly healthy population. It had not been previously curated by ICSL or reported in the Human Gene Mutation Database (HGMD: prior to June 1st, 2018), and was therefore a candidate for classification through an automated scoring system. Utilizing variant allele frequency, disease prevalence and penetrance estimates, and inheritance mode, an automated score was calculated to assess if this variant is too frequent to cause the disease. Based on the score and internal cut-off values, a variant classified as likely benign is not then subjected to further curation. The score for this variant resulted in a classification of likely benign for this disease.

NM_022041.4(GAN):c.*964C>G

Gene: GAN (gigaxonin; plus strand). Cytogenetic location: 16q23.2.
Variant type: single nucleotide variant.
Coding change: c.*964C>G on transcript NM_022041.4 (MANE Select); 964 bases downstream of the stop codon, C replaced by G.
Molecular consequence: 3 prime UTR variant.
Genome position (GRCh38, 1-based): chr16:81,378,560, C>G. VCF-style: chr16-81378560-C-G. GRCh37 (hg19) VCF-style: chr16-81412165-C-G.
Other names: c.*964C>G (NM_001377486.1).
Identifiers: ClinVar variation 320682 (VCV000320682.5), dbSNP rs535218815, ClinGen allele CA10644327.
Genomic context (GRCh38, chr16:81,378,560, plus strand): 5'-AGCAAAAACAAAAAAGCTATCCAGACAAAATACATAGGGATCAGAAACTTTTTCATATAA[C>G]CTGTCTGAAAGCACACAAAGTCTTGTTTACTACTGTTTAGGGTTTGAAAACTTGTCTTAG-3'